The following is an entry in ClinVar:

NM_000018.4(ACADVL):c.1837C>T (p.Arg613Trp)

Gene: ACADVL (acyl-CoA dehydrogenase very long chain; plus strand). Cytogenetic location: 17p13.1.
Variant type: single nucleotide variant.
Coding change: c.1837C>T on transcript NM_000018.4 (MANE Select); coding-DNA position 1837, C replaced by T.
Protein change: p.Arg613Trp; replaces arginine 613 with tryptophan.
Molecular consequence: missense variant.
Genome position (GRCh38, 1-based): chr17:7,224,966, C>T. VCF-style: chr17-7224966-C-T. GRCh37 (hg19) VCF-style: chr17-7128285-C-T.
Other names: p.R613W:CGG>TGG; NM_000018.4(ACADVL):c.1837C>T; c.1771C>T, p.Arg591Trp (NM_001033859.3); c.1906C>T, p.Arg636Trp (NM_001270447.2); c.1609C>T, p.Arg537Trp (NM_001270448.2); short protein forms R613W, R591W, R537W, R636W.
Identifiers: ClinVar variation 1623 (VCV000001623.39), dbSNP rs118204014, ClinGen allele CA251903.

ClinVar aggregate classification (germline): Likely pathogenic. Review status: reviewed by expert panel (3 of 4 stars). 16 submissions from 16 submitters: Likely pathogenic (1). 15 of the submissions do not count toward it. Last evaluated 2023-06-13.

Conditions:
ACADVL-related disorder. Also called: ACADVL-related condition.
Very long chain acyl-CoA dehydrogenase deficiency (ACADVLD). Also called: Very Long-Chain Acyl-Coenzyme A Dehydrogenase Deficiency; VLCAD Deficiency. Identifiers: Orphanet 26793, MedGen C3887523, MONDO:0008723, OMIM 201475.

Allele frequency attached by ClinVar (database versions not stated): gnomAD 0.00003; gnomAD exomes 0.00003 and 0.00005; TOPMed 0.00003; ExAC 0.00008.
gnomAD v4.1: 43 of 1,613,950 alleles (0.0027%); highest among the groups gnomAD compares: Non-Finnish European, 0.0034%; no homozygotes.

Submissions 1 to 8 of 16:

ClinGen ACADVL Variant Curation Expert Panel, ClinGen
Classification: Likely pathogenic for Very long chain acyl-CoA dehydrogenase deficiency. Last evaluated: 2023-06-13. Review status: reviewed by expert panel. Criteria: clingen acadvl acmg specifications v1. Collection method: curation. Allele origin: germline. Inheritance: Autosomal recessive inheritance.
Comment: The c.1837C>T variant in ACADVL is a missense variant predicted to cause substitution of arginine by tryptophan at amino acid 613 (p.Arg613Trp). This variant has been reported in ACADVL deficiency in numerous studies, including PMIDs:7479827, 8554073, 35281659, 17374501, 30194637. This variant is associated with increased C14:1 acylcarnitine levels in patients with ACADVL deficiency (PMID: 33986768, PP4_moderate). This variant was also detected in compound heterozygote with pathogenic variants from multiple patients (PM3, PMID: 7479827, 8554073, 30194637). This variant causes significantly reduced enzyme activity determined from lymphocytes, mammalian, and bacterial cell expression systems (PMID: 30194637, 8554073, 17374501, 33986768) and results in unstable protein product (PMID:8554073, PS3_supporting). This variant is also part of a C-terminal domain critical for mitochondiral membrane binding (PMID: 18227065). The highest population minor allele frequency in gnomAD is 0.0001 in the European non-Finnish population, which is lower than the ClinGen ACADVL Variant Curation Expert Panel threshold (<0.001) meeting this criterion (PM2_Supporting). The computational predictor REVEL gives a score of 0.77, which is above the threshold of 0.75, evidence that correlates with impact to ACADVL function (PP3). In summary the ACADVL Variant Curation Expert Panel VCEP classified the variant as likely pathogenic based on PS3_supporting+PM3+PP3+PP4_moderate+PM2_supporting.

Labcorp Genetics (formerly Invitae), Labcorp
Classification: Pathogenic for Very long chain acyl-CoA dehydrogenase deficiency. Last evaluated: 2025-11-28. Review status: criteria provided, single submitter. Criteria: Invitae Variant Classification Sherloc (09022015). Collection method: clinical testing. Allele origin: germline. Not counted in ClinVar's aggregate classification.
Comment: This sequence change replaces arginine, which is basic and polar, with tryptophan, which is neutral and slightly polar, at codon 613 of the ACADVL protein (p.Arg613Trp). This variant is present in population databases (rs118204014, gnomAD 0.009%). This missense change has been observed in individual(s) with very long chain acyl-CoA dehydrogenase (PMID: 7479827, 8554073, 10077518, 17999356, 19327992). ClinVar contains an entry for this variant (Variation ID: 1623). Invitae Evidence Modeling of protein sequence and biophysical properties (such as structural, functional, and spatial information, amino acid conservation, physicochemical variation, residue mobility, and thermodynamic stability) indicates that this missense variant is expected to disrupt ACADVL protein function with a positive predictive value of 80%. Experimental studies have shown that this missense change affects ACADVL function (PMID: 8554073, 17374501). For these reasons, this variant has been classified as Pathogenic.

Natera, Inc.
Classification: Pathogenic for Very long chain acyl-CoA dehydrogenase deficiency. Last evaluated: 2025-11-23. Review status: criteria provided, single submitter. Criteria: Natera Variant Classification Schema (03/2026). Collection method: clinical testing. Allele origin: germline. Not counted in ClinVar's aggregate classification.
Comment: The c.1837C>T variant in ACADVL is a missense variant predicted to cause substitution of arginine to tryptophan at amino acid 613. This variant is rare in the general population with a frequency below the threshold expected for the associated phenotype(s). This variant has been observed in one or more individuals affected with the associated recessive disease, as either homozygous or compound heterozygous with a second variant (PMID: 35281659, 19327992, 33123633). Functional studies show that this variant may disrupt protein function (PMID: 8554073). A different variant at the same position has been determined to be Pathogenic or Likely Pathogenic. Computational prediction algorithms indicate this variant is likely to affect gene or protein function. Given the available evidence, this variant is classified as Pathogenic.

ARUP Laboratories, Molecular Genetics and Genomics, ARUP Laboratories
Classification: Pathogenic for Very long chain acyl-CoA dehydrogenase deficiency. Last evaluated: 2024-10-08. Review status: criteria provided, single submitter. Criteria: ARUP Molecular Germline Variant Investigation Process 2024. Collection method: clinical testing. Allele origin: germline. Not counted in ClinVar's aggregate classification.
Comment: The ACADVL c.1837C>T; p.Arg613Trp variant (rs118204014; ClinVar ID: 1623), also published as Arg573Trp, is reported in the literature in individuals affected with very-long chain acyl-coenzyme A dehydrogenase (VLCAD) deficiency (Gobin-Limballe 2007, Laforet 2009, Strauss 1995, Souri 1996, Olsson 2022). In multiple affected patients, this variant was observed in trans to a second pathogenic variant (Gobin-Limballe 2007, Strauss 1995, Souri 1996, Olsson 2022). The p.Arg613Trp variant is found in the general population with an overall allele frequency of 0.005% (14/282476 alleles) in the Genome Aggregation Database (v2.1.1). Computational analyses predict that this variant is deleterious (REVEL: 0.772). Additionally, functional assays suggest that this variant results in reduced dimerization and decreased enzyme function (Gobin-Limballe 2007, Goetzman 2007, Souri 1996, Olsson 2022). Taken together, the p.Arg613Trp variant is considered pathogenic. References: Gobin-Limballe S et al. Genetic basis for correction of very-long-chain acyl-coenzyme A dehydrogenase deficiency by bezafibrate in patient fibroblasts: toward a genotype-based therapy. Am J Hum Genet. 2007 Dec;81(6):1133-43. PMID: 17999356. Goetzman ES et al. Expression and characterization of mutations in human very long-chain acyl-CoA dehydrogenase using a prokaryotic system. Mol Genet Metab. 2007 Jun;91(2):138-47. PMID: 17374501. Laforet P et al. Diagnostic assessment and long-term follow-up of 13 patients with Very Long-Chain Acyl-Coenzyme A dehydrogenase (VLCAD) deficiency. Neuromuscul Disord. 2009 May;19(5):324-9. PMID: 19327992. Olsson D et al. Very long-chain acyl-CoA dehydrogenase deficiency in a Swedish cohort: Clinical symptoms, newborn screening, enzyme activity, and genetics. JIMD Rep. 2022 Jan 9;63(2):181-190. PMID: 35281659. Souri M et al. Mutation analysis of very-long-chain acyl-coenzyme A dehydrogenase (VLCAD) deficiency: identification and characterization of mutant VLCAD cDNAs from four patients. Am J Hum Genet. 1996 Jan;58(1):97-106. PMID: 8554073. Strauss AW et al. Molecular basis of human mitochondrial very-long-chain acyl-CoA dehydrogenase deficiency causing cardiomyopathy and sudden death in childhood. Proc Natl Acad Sci U S A. 1995 Nov 7;92(23):10496-500. PMID: 7479827.

Fulgent Genetics
Classification: Pathogenic for Very long chain acyl-CoA dehydrogenase deficiency. Last evaluated: 2024-04-12. Review status: criteria provided, single submitter. Criteria: ACMG Guidelines, 2015. Collection method: clinical testing. Allele origin: germline. Not counted in ClinVar's aggregate classification.

Baylor Genetics
Classification: Pathogenic for Very long chain acyl-CoA dehydrogenase deficiency. Last evaluated: 2024-03-22. Review status: criteria provided, single submitter. Criteria: ACMG Guidelines, 2015. Collection method: clinical testing. Allele origin: unknown. Not counted in ClinVar's aggregate classification.

Blueprint Genetics
Classification: Pathogenic for ACADVL-related disorders. Last evaluated: 2023-11-22. Review status: criteria provided, single submitter. Criteria: ACMG Guidelines, 2015. Collection method: clinical testing. Allele origin: germline. Affected: yes. Observed: 5 variant alleles. Not counted in ClinVar's aggregate classification.

Revvity Omics, Revvity
Classification: Pathogenic for Very long chain acyl-CoA dehydrogenase deficiency. Last evaluated: 2022-10-10. Review status: criteria provided, single submitter. Criteria: ACMG Guidelines, 2015. Collection method: clinical testing. Allele origin: germline. Not counted in ClinVar's aggregate classification.